The following is an entry in ClinVar:

NM_001145784.2(BORCS8):c.150+1G>T

Genes: BORCS8 (BLOC-1 related complex subunit 8; minus strand), BORCS8-MEF2B (BORCS8-MEF2B readthrough; minus strand). Cytogenetic location: 19p13.11.
Variant type: single nucleotide variant.
Coding change: c.150+1G>T on transcript NM_001145784.2 (MANE Select); the canonical splice donor site of the intron after coding-DNA position 150, G replaced by T.
Molecular consequence: splice donor variant. On other transcripts: intron variant (1).
Genome position (GRCh38, 1-based): chr19:19,186,892, C>A on the plus strand (G>T on the coding strand, the complement: BORCS8 is on the minus strand). VCF-style: chr19-19186892-C-A. GRCh37 (hg19) VCF-style: chr19-19297701-C-A.
Other names: c.-216-4209G>T (NM_005919.4); c.150+1G>T (NM_001145783.2).
Identifiers: ClinVar variation 4851338 (VCV004851338.1).

ClinVar aggregate classification (germline): Likely pathogenic (1 of 4 stars; one submission).

Conditions:
Semilobar holoprosencephaly. Identifiers: Orphanet 220386, MedGen C0751617, MONDO:0700419, HP:0002507, MONDO:0016355.

Submission:

Centre for Medical Genetics,  Mumbai
Classification: Likely pathogenic for Semilobar holoprosencephaly. Last evaluated: 2026-04-06. Review status: criteria provided, single submitter. Criteria: ACMG Guidelines, 2015. Collection method: provider interpretation. Allele origin: germline. Inheritance: Autosomal recessive inheritance. Affected: yes. Observed: 1 variant allele, 1 homozygote.
Comment: The variant satisfies the following ACMG criteria: PVS1- null variant in a gene where loss of function is a known mechanism of disease, PM2: absent in gnomAD database

Literature cited by the submitters: PubMed 38128568.